The following is an entry in ClinVar:

NM_001613.4(ACTA2):c.136A>G (p.Met46Val)

Gene: ACTA2 (actin alpha 2, smooth muscle; minus strand). Cytogenetic location: 10q23.31.
Variant type: single nucleotide variant.
Coding change: c.136A>G on transcript NM_001613.4 (MANE Select); coding-DNA position 136, A replaced by G.
Protein change: p.Met46Val; replaces methionine 46 with valine.
Molecular consequence: missense variant.
Genome position (GRCh38, 1-based): chr10:88,947,380, T>C on the plus strand (A>G on the coding strand, the complement: ACTA2 is on the minus strand). VCF-style: chr10-88947380-T-C. GRCh37 (hg19) VCF-style: chr10-90707137-T-C.
Other names: c.136A>G, p.Met46Val (NM_001141945.3, NM_001320855.2, NM_001406462.1 and 4 more transcripts); short protein forms M46V.
Identifiers: ClinVar variation 1421069 (VCV001421069.7), dbSNP rs2133270221, ClinGen allele CA377513554.

ClinVar aggregate classification (germline): Likely pathogenic (1 of 4 stars; one submission).

Conditions:
Aortic aneurysm, familial thoracic 6 (AAT6). Also called: FAMILIAL THORACIC AORTIC ANEURYSM WITH LIVEDO RETICULARIS AND IRIS FLOCCULI. Identifiers: MedGen C2673186, MONDO:0012730, OMIM 611788.

Allele frequency attached by ClinVar (database versions not stated): gnomAD exomes below 0.00001.
gnomAD v4.1: 1 of 1,613,840 alleles (0.000062%); highest among the groups gnomAD compares: South Asian, 0.0011%; no homozygotes.

Submission:

Labcorp Genetics (formerly Invitae), Labcorp
Classification: Likely pathogenic for Aortic aneurysm, familial thoracic 6. Last evaluated: 2025-01-15. Review status: criteria provided, single submitter. Criteria: Invitae Variant Classification Sherloc (09022015). Collection method: clinical testing. Allele origin: germline.
Comment: This sequence change replaces methionine, which is neutral and non-polar, with valine, which is neutral and non-polar, at codon 46 of the ACTA2 protein (p.Met46Val). This variant is not present in population databases (gnomAD no frequency). This missense change has been observed in individual(s) with clinical features of ACTA2-related conditions (internal data). ClinVar contains an entry for this variant (Variation ID: 1421069). Invitae Evidence Modeling of protein sequence and biophysical properties (such as structural, functional, and spatial information, amino acid conservation, physicochemical variation, residue mobility, and thermodynamic stability) indicates that this missense variant is expected to disrupt ACTA2 protein function with a positive predictive value of 95%. This variant disrupts the p.Met46 amino acid residue in ACTA2. Other variant(s) that disrupt this residue have been observed in individuals with ACTA2-related conditions (PMID: 30975232, 35567597; internal data), which suggests that this may be a clinically significant amino acid residue. In summary, the currently available evidence indicates that the variant is pathogenic, but additional data are needed to prove that conclusively. Therefore, this variant has been classified as Likely Pathogenic.

Literature cited by the submitters: PubMed 30975232; PubMed 35567597.